The following is an entry in ClinVar:

ClinVar aggregate classification (germline): Conflicting classifications of pathogenicity. Review status: criteria provided, conflicting classifications (1 of 4 stars). 9 submissions from 9 submitters: Uncertain significance (1); Benign (2); Likely benign (6). Last evaluated 2026-09-01.

Conditions:
Dilated cardiomyopathy 1DD (CMD1DD). Identifiers: Orphanet 154, MedGen C2750995, MONDO:0013168, OMIM 613172.
Cardiovascular phenotype. Identifiers: MedGen CN230736.
Cardiomyopathy (CMYO). Also called: Cardiomyopathies. Identifiers: Orphanet 167848, MedGen C0878544, MONDO:0004994, HP:0001638. Inheritance: Various modes of inheritance.

Allele frequency attached by ClinVar (database versions not stated): ExAC 0.00010; gnomAD exomes 0.00010; ESP Exome Variant Server 0.00022; gnomAD 0.00027 and 0.00028; TOPMed 0.00034.

Submissions (9):

CeGaT Center for Human Genetics Tuebingen
Classification: Likely benign. Last evaluated: 2026-09-01. Review status: criteria provided, single submitter. Criteria: CeGaT Center For Human Genetics Tuebingen Variant Classification Criteria Version 2. Collection method: clinical testing. Allele origin: germline. Affected: yes. Observed: 3 variant alleles.
Comment: RBM20: BP4, BP7

Labcorp Genetics (formerly Invitae), Labcorp
Classification: Likely benign for Dilated cardiomyopathy 1DD. Last evaluated: 2026-01-27. Review status: criteria provided, single submitter. Criteria: Invitae Variant Classification Sherloc (09022015). Collection method: clinical testing. Allele origin: germline.

Molecular Diagnostic Laboratory for Inherited Cardiovascular Disease, Montreal Heart Institute
Classification: Likely benign. Last evaluated: 2025-04-09. Review status: criteria provided, single submitter. Criteria: ACMG Guidelines, 2015. Collection method: clinical testing. Allele origin: germline. Affected: no.

ARUP Laboratories, Molecular Genetics and Genomics, ARUP Laboratories
Classification: Likely benign for Dilated cardiomyopathy 1DD. Last evaluated: 2024-11-12. Review status: criteria provided, single submitter. Criteria: ARUP Molecular Germline Variant Investigation Process 2024. Collection method: clinical testing. Allele origin: germline.

Women's Health and Genetics/Laboratory Corporation of America, LabCorp
Classification: Benign. Last evaluated: 2022-05-23. Review status: criteria provided, single submitter. Criteria: LabCorp Variant Classification Summary - May 2015. Collection method: clinical testing. Allele origin: germline.

Ambry Genetics
Classification: Likely benign for Cardiovascular phenotype. Last evaluated: 2020-03-25. Review status: criteria provided, single submitter. Criteria: Ambry Variant Classification Scheme 2023. Collection method: clinical testing. Allele origin: germline.

Illumina Laboratory Services, Illumina
Classification: Uncertain significance for Dilated cardiomyopathy 1DD. Last evaluated: 2018-01-15. Review status: criteria provided, single submitter. Criteria: ICSL Variant Classification Criteria 13 December 2019. Collection method: clinical testing. Allele origin: germline.

CHEO Genetics Diagnostic Laboratory, Children's Hospital of Eastern Ontario
Classification: Likely benign for Cardiomyopathy. Last evaluated: 2017-03-02. Review status: criteria provided, single submitter. Criteria: ACMG Guidelines, 2015. Collection method: clinical testing. Allele origin: germline. Study: Canadian Open Genetics Repository.

GeneDx
Classification: Benign. Last evaluated: 2015-06-29. Review status: criteria provided, single submitter. Criteria: GeneDx Variant Classification (06012015). Collection method: clinical testing. Allele origin: germline. Affected: yes.
Comment: This variant is considered likely benign or benign based on one or more of the following criteria: it is a conservative change, it occurs at a poorly conserved position in the protein, it is predicted to be benign by multiple in silico algorithms, and/or has population frequency not consistent with disease.

NM_001134363.3(RBM20):c.1378T>C (p.Leu460=)

Gene: RBM20 (RNA binding motif protein 20; plus strand). Cytogenetic location: 10q25.2.
Variant type: single nucleotide variant.
Coding change: c.1378T>C on transcript NM_001134363.3 (MANE Select); coding-DNA position 1378, T replaced by C.
Protein change: p.Leu460=; no amino-acid change (leucine 460 retained).
Molecular consequence: synonymous variant.
Genome position (GRCh38, 1-based): chr10:110,784,381, T>C. VCF-style: chr10-110784381-T-C. GRCh37 (hg19) VCF-style: chr10-112544139-T-C.
Other names: c.1378T>C (LRG_382t1).
Identifiers: ClinVar variation 378472 (VCV000378472.49), dbSNP rs374014662, ClinGen allele CA5688594.